The following is an entry in ClinVar:

ClinVar aggregate classification (germline): Likely benign (1 of 4 stars; one submission).

Allele frequency attached by ClinVar (database versions not stated): gnomAD exomes below 0.00001.
gnomAD v4.1: 1 of 1,613,900 alleles (0.000062%); highest among the groups gnomAD compares: Non-Finnish European, 0.000085%; no homozygotes.

Submission:

GeneDx
Classification: Likely benign. Last evaluated: 2018-06-07. Review status: criteria provided, single submitter. Criteria: GeneDx Variant Classification (06012015). Collection method: clinical testing. Allele origin: germline. Affected: yes.
Comment: This variant is considered likely benign or benign based on one or more of the following criteria: it is a conservative change, it occurs at a poorly conserved position in the protein, it is predicted to be benign by multiple in silico algorithms, and/or has population frequency not consistent with disease.

NM_000038.6(APC):c.2220C>T (p.Ala740=)

Gene: APC (APC regulator of WNT signaling pathway; plus strand). Cytogenetic location: 5q22.2.
Variant type: single nucleotide variant.
Coding change: c.2220C>T on transcript NM_000038.6 (MANE Select); coding-DNA position 2220, C replaced by T.
Protein change: p.Ala740=; no amino-acid change (alanine 740 retained).
Molecular consequence: synonymous variant.
Genome position (GRCh38, 1-based): chr5:112,837,814, C>T. VCF-style: chr5-112837814-C-T. GRCh37 (hg19) VCF-style: chr5-112173511-C-T.
Other names: c.2220C>T, p.Ala740= (NM_001127510.3, NM_001354895.2); c.2166C>T, p.Ala722= (NM_001127511.3); c.2274C>T, p.Ala758= (NM_001354896.2); c.2250C>T, p.Ala750= (NM_001354897.2); c.2145C>T, p.Ala715= (NM_001354898.2); c.2136C>T, p.Ala712= (NM_001354899.2); c.2097C>T, p.Ala699= (NM_001354900.2); c.2043C>T, p.Ala681= (NM_001354901.2); and 5 more.
Identifiers: ClinVar variation 672120 (VCV000672120.1), dbSNP rs878853424, ClinGen allele CA445963254.